The following is an entry in ClinVar:

NM_001375405.1(CEP120):c.-38C>G

Gene: CEP120 (centrosomal protein 120; minus strand). Cytogenetic location: 5q23.2.
Variant type: single nucleotide variant.
Coding change: c.-38C>G on transcript NM_001375405.1 (MANE Select); 38 bases upstream of the start codon, C replaced by G.
Molecular consequence: 5 prime UTR variant. On other transcripts: non-coding transcript variant (1), intron variant (3).
Genome position (GRCh38, 1-based): chr5:123,423,036, G>C on the plus strand (C>G on the coding strand, the complement: CEP120 is on the minus strand). VCF-style: chr5-123423036-G-C. GRCh37 (hg19) VCF-style: chr5-122758730-G-C.
Other names: c.-38C>G (NM_001375406.1, NM_001375407.1); c.-728C>G (NM_001375409.1); c.-30+473C>G (NM_001166226.2); c.-32-6C>G (NM_153223.4); c.-780-6C>G (NM_001375408.1).
Identifiers: ClinVar variation 4813900 (VCV004813900.1).
Genomic context (GRCh38, chr5:123,423,036, plus strand): 5'-AATTGGTCGGATTTGGAGACCATGGTTGCGGTGAGCGGTCCGGGGGCGAAGGCGGCTGGG[G>C]GGAAGTGAGGTCCAGTTGAGTCGCGGGTAATCCGGGACCCCCGGCGGGACCCCCACTGCC-3'

ClinVar aggregate classification (germline): Uncertain significance (1 of 4 stars; one submission).

gnomAD v4.1: 88 of 1,579,680 alleles (0.0056%); highest among the groups gnomAD compares: Non-Finnish European, 0.0073%; 1 homozygote.

Submission:

GeneDx
Classification: Uncertain significance. Last evaluated: 2025-09-19. Review status: criteria provided, single submitter. Criteria: GeneDx Variant Classification Process June 2021. Collection method: clinical testing. Allele origin: germline. Affected: yes.
Comment: Not observed at significant frequency in large population cohorts (gnomAD); Has not been previously published as pathogenic or benign to our knowledge; In silico analysis is inconclusive as to whether the variant alters gene splicing. In the absence of RNA/functional studies, the actual effect of this sequence change is unknown.